The following is an entry in ClinVar:

ClinVar aggregate classification (germline): Conflicting classifications of pathogenicity. Review status: criteria provided, conflicting classifications (1 of 4 stars). 5 submissions from 4 submitters: Uncertain significance (2); Likely benign (1). 2 of the submissions do not count toward it. Last evaluated 2024-12-16.

Conditions:
MKS1-related disorder. Also called: MKS1-related condition; MKS1-related disorders. Identifiers: MedGen CN239382.
Joubert syndrome 28 (JBTS28). Identifiers: MedGen C4310705, MONDO:0014928, OMIM 617121.
Meckel syndrome, type 1 (MKS1). Also called: MECKEL-GRUBER SYNDROME, TYPE 1. Identifiers: Orphanet 564, MedGen C3714506, MONDO:0009571, OMIM 249000.
Bardet-Biedl syndrome 13 (BBS13). Identifiers: Orphanet 110, MedGen C2673873, MONDO:0014441, OMIM 615990.
Meckel-Gruber syndrome. Also called: DYSENCEPHALIA SPLANCHNOCYSTICA; GRUBER SYNDROME; Dysencephalia splachnocystica. Identifiers: Orphanet 564, MedGen C0265215, MONDO:0018921.
Joubert syndrome. Also called: JOUBERT-BOLTSHAUSER SYNDROME; Familial aplasia of the vermis. Identifiers: Orphanet 475, MedGen C5979921, MONDO:0018772.

Submissions (5):

Labcorp Genetics (formerly Invitae), Labcorp
Classification: Likely benign for Joubert syndrome; Meckel-Gruber syndrome. Last evaluated: 2024-12-16. Review status: criteria provided, single submitter. Criteria: Invitae Variant Classification Sherloc (09022015). Collection method: clinical testing. Allele origin: germline.

Illumina Laboratory Services, Illumina
Classification: Uncertain significance for Meckel syndrome, type 1. Last evaluated: 2018-01-13. Review status: criteria provided, single submitter. Criteria: ICSL Variant Classification Criteria 13 December 2019. Collection method: clinical testing. Allele origin: germline.

Illumina Laboratory Services, Illumina
Classification: Uncertain significance for Bardet-Biedl syndrome 13. Last evaluated: 2018-01-13. Review status: criteria provided, single submitter. Criteria: ICSL Variant Classification Criteria 13 December 2019. Collection method: clinical testing. Allele origin: germline.

PreventionGenetics, part of Exact Sciences
Classification: Likely benign for MKS1-related condition. Last evaluated: 2022-08-10. Review status: no assertion criteria provided. Collection method: clinical testing. Allele origin: germline. Not counted in ClinVar's aggregate classification.
Comment: This variant is classified as likely benign based on ACMG/AMP sequence variant interpretation guidelines (Richards et al. 2015 PMID: 25741868, with internal and published modifications).

Counsyl
Classification: Likely benign for Meckel syndrome, type 1; Bardet-Biedl syndrome 13; Joubert syndrome 28. Last evaluated: 2017-10-26. Review status: no assertion criteria provided. Collection method: clinical testing. Allele origin: unknown. Not counted in ClinVar's aggregate classification.

NM_017777.4(MKS1):c.80+14C>G

Genes: MKS1 (MKS transition zone complex subunit 1; minus strand), LOC130061271 (ATAC-STARR-seq lymphoblastoid active region 12461; plus strand). Cytogenetic location: 17q22.
Variant type: single nucleotide variant.
Coding change: c.80+14C>G on transcript NM_017777.4 (MANE Select); 14 bases into the intron after coding-DNA position 80, C replaced by G.
Molecular consequence: intron variant.
Genome position (GRCh38, 1-based): chr17:58,219,137, G>C on the plus strand (C>G on the coding strand, the complement: MKS1 is on the minus strand). VCF-style: chr17-58219137-G-C. GRCh37 (hg19) VCF-style: chr17-56296498-G-C.
Other names: c.-432+14C>G (NM_001321268.2); c.80+14C>G (NM_001330397.2, NM_001321269.2).
Identifiers: ClinVar variation 324170 (VCV000324170.12), dbSNP rs761061379, ClinGen allele CA10646204.